The following is an entry in ClinVar:

NM_001271803.2(REEP2):c.536G>C (p.Gly179Ala)

Gene: REEP2 (receptor accessory protein 2; plus strand). Cytogenetic location: 5q31.2.
Variant type: single nucleotide variant.
Coding change: c.536G>C on transcript NM_001271803.2 (MANE Select); coding-DNA position 536, G replaced by C.
Protein change: p.Gly179Ala; replaces glycine 179 with alanine.
Molecular consequence: missense variant. On other transcripts: non-coding transcript variant (2).
Genome position (GRCh38, 1-based): chr5:138,445,346, G>C. VCF-style: chr5-138445346-G-C. GRCh37 (hg19) VCF-style: chr5-137781035-G-C.
Other names: c.530G>C, p.Gly177Ala (NM_016606.4); c.530G>C (NM_016606.2); short protein forms G177A, G179A.
Identifiers: ClinVar variation 2633721 (VCV002633721.2), dbSNP rs1248724346, ClinGen allele CA361104506.

ClinVar aggregate classification (germline): Uncertain significance. Review status: criteria provided, multiple submitters, no conflicts (2 of 4 stars). 2 submissions from 2 submitters: Uncertain significance (2). Last evaluated 2025-09-28.

Conditions:
Inborn genetic diseases. Identifiers: MedGen C0950123, MeSH D030342.
REEP2-related disorder. Also called: REEP2-related condition.

Allele frequency attached by ClinVar (database versions not stated): gnomAD 0.00001.
gnomAD v4.1: 3 of 1,613,192 alleles (0.00019%); highest among the groups gnomAD compares: Non-Finnish European, 0.00025%; no homozygotes.

Submissions (2):

Ambry Genetics
Classification: Uncertain significance for Inborn genetic diseases. Last evaluated: 2025-09-28. Review status: criteria provided, single submitter. Criteria: Ambry Variant Classification Scheme 2023. Collection method: clinical testing. Allele origin: germline.

PreventionGenetics, part of Exact Sciences
Classification: Uncertain significance for REEP2-related condition. Last evaluated: 2023-03-08. Review status: criteria provided, single submitter. Criteria: ACMG Guidelines, 2015. Collection method: clinical testing. Allele origin: germline.
Comment: The REEP2 c.536G>C variant is predicted to result in the amino acid substitution p.Gly179Ala. To our knowledge, this variant has not been reported in the literature. This variant is reported in 0.0016% of alleles in individuals of European (Non-Finnish) descent in gnomAD. At this time, the clinical significance of this variant is uncertain due to the absence of conclusive functional and genetic evidence.